The following is an entry in ClinVar:

ClinVar aggregate classification (germline): Uncertain significance. Review status: criteria provided, multiple submitters, no conflicts (2 of 4 stars). 4 submissions from 4 submitters: Uncertain significance (4). Last evaluated 2025-12-22.

Conditions:
Hereditary cancer-predisposing syndrome. Also called: Hereditary neoplastic syndrome; Neoplastic Syndromes, Hereditary; Hereditary Cancer Syndrome; Tumor predisposition. Identifiers: Orphanet 140162, MedGen C0027672, MeSH D009386, MONDO:0015356.

Allele frequency attached by ClinVar (database versions not stated): gnomAD exomes below 0.00001; gnomAD 0.00002 and 0.00003; TOPMed 0.00002.

Submissions (4):

Labcorp Genetics (formerly Invitae), Labcorp
Classification: Uncertain significance. Last evaluated: 2025-12-22. Review status: criteria provided, single submitter. Criteria: Invitae Variant Classification Sherloc (09022015). Collection method: clinical testing. Allele origin: germline.
Comment: This sequence change replaces alanine, which is neutral and non-polar, with valine, which is neutral and non-polar, at codon 154 of the HOXB13 protein (p.Ala154Val). This variant is not present in population databases (gnomAD no frequency). This variant has not been reported in the literature in individuals affected with HOXB13-related conditions. ClinVar contains an entry for this variant (Variation ID: 128034). Invitae Evidence Modeling of protein sequence and biophysical properties (such as structural, functional, and spatial information, amino acid conservation, physicochemical variation, residue mobility, and thermodynamic stability) indicates that this missense variant is not expected to disrupt HOXB13 protein function with a negative predictive value of 80%. In summary, the available evidence is currently insufficient to determine the role of this variant in disease. Therefore, it has been classified as a Variant of Uncertain Significance.

Ambry Genetics
Classification: Uncertain significance for Hereditary cancer-predisposing syndrome. Last evaluated: 2024-12-29. Review status: criteria provided, single submitter. Criteria: Ambry Variant Classification Scheme 2023. Collection method: clinical testing. Allele origin: germline.
Comment: The p.A154V variant (also known as c.461C>T), located in coding exon 1 of the HOXB13 gene, results from a C to T substitution at nucleotide position 461. The alanine at codon 154 is replaced by valine, an amino acid with similar properties. This amino acid position is not well conserved in available vertebrate species. In addition, this alteration is predicted to be tolerated by in silico analysis. Since supporting evidence is limited at this time, the clinical significance of this alteration remains unclear.

GeneDx
Classification: Uncertain significance. Last evaluated: 2023-12-10. Review status: criteria provided, single submitter. Criteria: GeneDx Variant Classification Process June 2021. Collection method: clinical testing. Allele origin: germline. Affected: yes.
Comment: Not observed at significant frequency in large population cohorts (gnomAD); In silico analysis supports that this missense variant does not alter protein structure/function; Has not been previously published as pathogenic or benign to our knowledge; This variant is associated with the following publications: (PMID: 28272408)

Quest Diagnostics Nichols Institute San Juan Capistrano
Classification: Uncertain significance. Last evaluated: 2021-05-17. Review status: criteria provided, single submitter. Criteria: Quest Diagnostics criteria. Collection method: clinical testing. Allele origin: unknown.

Literature cited by the submitters: PubMed 28272408 (cited by Quest Diagnostics Nichols Institute San Juan Capistrano).

NM_006361.6(HOXB13):c.461C>T (p.Ala154Val)

Gene: HOXB13 (homeobox B13; minus strand). Cytogenetic location: 17q21.32.
Variant type: single nucleotide variant.
Coding change: c.461C>T on transcript NM_006361.6 (MANE Select); coding-DNA position 461, C replaced by T.
Protein change: p.Ala154Val; replaces alanine 154 with valine.
Molecular consequence: missense variant.
Genome position (GRCh38, 1-based): chr17:48,728,133, G>A on the plus strand (C>T on the coding strand, the complement: HOXB13 is on the minus strand). VCF-style: chr17-48728133-G-A. GRCh37 (hg19) VCF-style: chr17-46805495-G-A.
Other names: p.A154V:GCT>GTT; short protein forms A154V.
Identifiers: ClinVar variation 128034 (VCV000128034.20), dbSNP rs587780163, ClinGen allele CA288233.